The following is an entry in ClinVar:

NM_138387.4(G6PC3):c.246G>A (p.Trp82Ter)

Gene: G6PC3 (glucose-6-phosphatase catalytic subunit 3; plus strand). Cytogenetic location: 17q21.31.
Variant type: single nucleotide variant.
Coding change: c.246G>A on transcript NM_138387.4 (MANE Select); coding-DNA position 246, G replaced by A.
Protein change: p.Trp82Ter; replaces tryptophan 82 with a stop codon.
Molecular consequence: nonsense. On other transcripts: 5 prime UTR variant (4).
Genome position (GRCh38, 1-based): chr17:44,074,187, G>A. VCF-style: chr17-44074187-G-A. GRCh37 (hg19) VCF-style: chr17-42151555-G-A.
Other names: c.246G>A, p.Trp82Ter (NM_001319945.2); c.-100G>A (NM_001384165.1, NM_001384166.1, NM_001384167.1 and 1 more transcripts); short protein forms W82*.
Identifiers: ClinVar variation 2760959 (VCV002760959.3), dbSNP rs2509364261, ClinGen allele CA399725621.

ClinVar aggregate classification (germline): Pathogenic (1 of 4 stars; one submission).

Conditions:
Autosomal recessive severe congenital neutropenia due to G6PC3 deficiency. Also called: NEUTROPENIA, SEVERE CONGENITAL, 4, AUTOSOMAL RECESSIVE; G6PC3 Deficiency. Identifiers: Orphanet 331176, MedGen C2751630, MONDO:0012930, OMIM 612541.

Submission:

Labcorp Genetics (formerly Invitae), Labcorp
Classification: Pathogenic for Autosomal recessive severe congenital neutropenia due to G6PC3 deficiency. Last evaluated: 2024-12-17. Review status: criteria provided, single submitter. Criteria: Invitae Variant Classification Sherloc (09022015). Collection method: clinical testing. Allele origin: germline.
Comment: This sequence change creates a premature translational stop signal (p.Trp82*) in the G6PC3 gene. It is expected to result in an absent or disrupted protein product. Loss-of-function variants in G6PC3 are known to be pathogenic (PMID: 19118303, 25491320). This variant is not present in population databases (gnomAD no frequency). This variant has not been reported in the literature in individuals affected with G6PC3-related conditions. ClinVar contains an entry for this variant (Variation ID: 2760959). For these reasons, this variant has been classified as Pathogenic.

Literature cited by the submitters: PubMed 19118303; PubMed 25491320.